The following is an entry in ClinVar:

ClinVar aggregate classification (germline): Uncertain significance (1 of 4 stars; one submission).

Submission:

GeneDx
Classification: Uncertain significance. Last evaluated: 2017-07-21. Review status: criteria provided, single submitter. Criteria: GeneDx Variant Classification (06012015). Collection method: clinical testing. Allele origin: germline. Affected: yes.
Comment: The c.1123+5G>A variant in the L1CAM gene has not been reported previously as a pathogenic variant nor as a benign variant, to our knowledge. This variant is predicted to destroy the natural splice donor site in intron 9, which may lead to abnormal gene splicing; however, in the absence of RNA/functional studies, the actual effect of this sequence change in this individual is unknown. The c.1123+5G>A variant is not observed in large population cohorts (Lek et al., 2016; 1000 Genomes Consortium et al., 2015; Exome Variant Server). We interpret c.1123+5G>A as a variant of uncertain significance.

NM_001278116.2(L1CAM):c.1123+5G>A

Gene: L1CAM (L1 cell adhesion molecule; minus strand). Cytogenetic location: Xq28.
Variant type: single nucleotide variant.
Coding change: c.1123+5G>A on transcript NM_001278116.2 (MANE Select); 5 bases into the intron after coding-DNA position 1123, G replaced by A.
Molecular consequence: intron variant.
Genome position (GRCh38, 1-based): chrX:153,869,798, C>T on the plus strand (G>A on the coding strand, the complement: L1CAM is on the minus strand). VCF-style: chrX-153869798-C-T. GRCh37 (hg19) VCF-style: chrX-153135253-C-T.
Other names: c.1108+5G>A (NM_001143963.2); c.1123+5G>A (NM_024003.3, NM_000425.5).
Identifiers: ClinVar variation 450555 (VCV000450555.2), dbSNP rs1557092385, ClinGen allele CA658659081.
Genomic context (GRCh38, chrX:153,869,798, plus strand): 5'-CTTCCTCTCCCCCACAGCCCCCAGGGCTCGCCACACTCCCCACTCCTGCCTGAGGCCCTG[C>T]TCACCCTCCACAGGGATCCCGTTGATTCTCCAGGTGACCTCTGGTTGGGGCCTGCCCTGG-3'